The following is an entry in ClinVar:

ClinVar aggregate classification (germline): Pathogenic (1 of 4 stars; one submission).

gnomAD v4.1: 1 of 1,614,154 alleles (0.000062%); no homozygotes.

Submission:

Labcorp Genetics (formerly Invitae), Labcorp
Classification: Pathogenic. Last evaluated: 2024-04-17. Review status: criteria provided, single submitter. Criteria: Invitae Variant Classification Sherloc (09022015). Collection method: clinical testing. Allele origin: germline.
Comment: This sequence change creates a premature translational stop signal (p.Gln2145*) in the VPS13C gene. It is expected to result in an absent or disrupted protein product. Loss-of-function variants in VPS13C are known to be pathogenic (PMID: 26942284, 34875562). This variant is not present in population databases (gnomAD no frequency). This variant has not been reported in the literature in individuals affected with VPS13C-related conditions. ClinVar contains an entry for this variant (Variation ID: 1964483). Algorithms developed to predict the effect of sequence changes on RNA splicing suggest that this variant may disrupt the consensus splice site. For these reasons, this variant has been classified as Pathogenic.

Literature cited by the submitters: PubMed 26942284; PubMed 34875562.

NM_020821.3(VPS13C):c.6433C>T (p.Gln2145Ter)

Gene: VPS13C (vacuolar protein sorting 13 homolog C; minus strand). Cytogenetic location: 15q22.2.
Variant type: single nucleotide variant.
Coding change: c.6433C>T on transcript NM_020821.3 (MANE Select); coding-DNA position 6433, C replaced by T.
Protein change: p.Gln2145Ter; replaces glutamine 2145 with a stop codon.
Molecular consequence: nonsense.
Genome position (GRCh38, 1-based): chr15:61,927,174, G>A on the plus strand (C>T on the coding strand, the complement: VPS13C is on the minus strand). VCF-style: chr15-61927174-G-A. GRCh37 (hg19) VCF-style: chr15-62219373-G-A.
Other names: c.6433C>T, p.Gln2145Ter (NM_001018088.3); c.6304C>T, p.Gln2102Ter (NM_017684.5, NM_018080.4); short protein forms Q2145*, Q2102*.
Identifiers: ClinVar variation 1964483 (VCV001964483.5), dbSNP rs2547893982, ClinGen allele CA392686666.